The following is an entry in ClinVar:

ClinVar aggregate classification (germline): Benign/Likely benign. Review status: criteria provided, multiple submitters, no conflicts (2 of 4 stars). 8 submissions from 8 submitters: Benign (4); Likely benign (3). 1 of the submissions does not count toward it. Last evaluated 2026-02-01.

Conditions:
ADGRV1-related disorder. Also called: ADGRV1-related condition; ADGRV1-related disorders.
Usher syndrome type 2C. Also called: Usher syndrome, type 2B; USHER SYNDROME, TYPE IIC. Identifiers: Orphanet 231178, Orphanet 886, MedGen C2931213, MONDO:0011558, OMIM 605472.

Allele frequency attached by ClinVar (database versions not stated): ExAC 0.00152; gnomAD exomes 0.00155; 1000 Genomes Project 0.00180; 1000 Genomes Project 30x 0.00187; ESP Exome Variant Server 0.00292; gnomAD 0.00297 and 0.00324; TOPMed 0.00335.
gnomAD v4.1: 1,592 of 1,612,498 alleles (0.099%); highest among the groups gnomAD compares: African/African-American, 0.8%; 7 homozygotes.

Submissions (8):

Labcorp Genetics (formerly Invitae), Labcorp
Classification: Benign. Last evaluated: 2026-02-01. Review status: criteria provided, single submitter. Criteria: Invitae Variant Classification Sherloc (09022015). Collection method: clinical testing. Allele origin: germline.

Illumina Laboratory Services, Illumina
Classification: Benign for Usher syndrome type 2C. Last evaluated: 2025-04-08. Review status: criteria provided, single submitter. Criteria: ICSLVariantClassificationCriteria RUGD 01 April 2020. Collection method: clinical testing. Allele origin: unknown.

Blueprint Genetics
Classification: Likely benign. Last evaluated: 2024-11-07. Review status: criteria provided, single submitter. Criteria: ACMG Guidelines, 2015. Collection method: clinical testing. Allele origin: germline.

CeGaT Center for Human Genetics Tuebingen
Classification: Likely benign. Last evaluated: 2024-09-01. Review status: criteria provided, single submitter. Criteria: CeGaT Center For Human Genetics Tuebingen Variant Classification Criteria Version 2. Collection method: clinical testing. Allele origin: germline. Affected: yes. Observed: 3 variant alleles.
Comment: ADGRV1: BS2

GeneDx
Classification: Benign. Last evaluated: 2019-03-12. Review status: criteria provided, single submitter. Criteria: GeneDx Variant Classification Process June 2021. Collection method: clinical testing. Allele origin: germline. Affected: yes.
Comment: This variant is associated with the following publications: (PMID: 22135276, 26969326, 28322503, 31130284)

Eurofins Ntd Llc (ga)
Classification: Likely benign. Last evaluated: 2016-03-28. Review status: criteria provided, single submitter. Criteria: EGL Classification Definitions 2015. Collection method: clinical testing. Allele origin: germline. Observed: 1 variant allele, 1 heterozygote.

Laboratory for Molecular Medicine, Mass General Brigham Personalized Medicine
Classification: Benign. Last evaluated: 2012-05-15. Review status: criteria provided, single submitter. Criteria: LMM Criteria. Collection method: clinical testing. Allele origin: germline. Observed: 7 variant alleles.
Comment: Leu6249Arg in Exon 89 of GPR98: This variant is not expected to have clinical si gnificance because it has been identified in 0.8% (24/3090) of African American chromosomes from a broad population by the NHLBI Exome Sequencing Project (dbSNP rs41311625).

PreventionGenetics, part of Exact Sciences
Classification: Likely benign for ADGRV1-related condition. Last evaluated: 2022-02-23. Review status: no assertion criteria provided. Collection method: clinical testing. Allele origin: germline. Not counted in ClinVar's aggregate classification.
Comment: This variant is classified as likely benign based on ACMG/AMP sequence variant interpretation guidelines (Richards et al. 2015 PMID: 25741868, with internal and published modifications).

NM_032119.4(ADGRV1):c.18746T>G (p.Leu6249Arg)

Gene: ADGRV1 (adhesion G protein-coupled receptor V1; plus strand). Cytogenetic location: 5q14.3.
Variant type: single nucleotide variant.
Coding change: c.18746T>G on transcript NM_032119.4 (MANE Select); coding-DNA position 18746, T replaced by G.
Protein change: p.Leu6249Arg; replaces leucine 6249 with arginine.
Molecular consequence: missense variant. On other transcripts: non-coding transcript variant (1).
Genome position (GRCh38, 1-based): chr5:91,153,342, T>G. VCF-style: chr5-91153342-T-G. GRCh37 (hg19) VCF-style: chr5-90449159-T-G.
Other names: short protein forms L6249R.
Identifiers: ClinVar variation 46301 (VCV000046301.49), dbSNP rs41311625, ClinGen allele CA138084.